The following is an entry in ClinVar:

NM_001110556.2(FLNA):c.3367T>G (p.Ser1123Ala)

Gene: FLNA (filamin A; minus strand). Cytogenetic location: Xq28.
Variant type: single nucleotide variant.
Coding change: c.3367T>G on transcript NM_001110556.2 (MANE Select); coding-DNA position 3367, T replaced by G.
Protein change: p.Ser1123Ala; replaces serine 1123 with alanine.
Molecular consequence: missense variant.
Genome position (GRCh38, 1-based): chrX:154,360,428, A>C on the plus strand (T>G on the coding strand, the complement: FLNA is on the minus strand). VCF-style: chrX-154360428-A-C. GRCh37 (hg19) VCF-style: chrX-153588796-A-C.
Other names: c.3367T>G (NM_001456.3); c.3367T>G, p.Ser1123Ala (NM_001456.4); short protein forms S1123A.
Identifiers: ClinVar variation 284349 (VCV000284349.10), dbSNP rs368441729, ClinGen allele CA10560723.

ClinVar aggregate classification (germline): Conflicting classifications of pathogenicity. Review status: criteria provided, conflicting classifications (1 of 4 stars). 3 submissions from 3 submitters: Uncertain significance (2); Benign (1). Last evaluated 2025-11-13.

Conditions:
Familial thoracic aortic aneurysm and aortic dissection (TAAD). Also called: Thoracic aortic aneurysms and dissections. Identifiers: Orphanet 91387, MedGen C4707243, MONDO:0019625.
Melnick-Needles syndrome (MNS). Also called: Melnick-Needles Syndrome (FLNA-MNS); MELNICK-NEEDLES OSTEODYSPLASTY; OSTEODYSPLASTY OF MELNICK AND NEEDLES. Identifiers: Orphanet 2484, MedGen C0025237, MONDO:0010650, OMIM 309350.
Frontometaphyseal dysplasia (FMD1). Identifiers: Orphanet 1826, MedGen C0265293, MONDO:0015942.
Heterotopia, periventricular, X-linked dominant (PVNH1). Also called: X-linked periventricular heterotopia; PERIVENTRICULAR NODULAR HETEROTOPIA 4; HETEROTOPIA, PERIVENTRICULAR, 1; PERIVENTRICULAR NODULAR HETEROTOPIA 1. Identifiers: Orphanet 2149, Orphanet 82004, MedGen C1848213, MONDO:0010233, OMIM 300049.
Oto-palato-digital syndrome, type II (OPD2). Also called: Otopalatodigital Syndrome Type 2 (FLNA-OPD2); FACIOPALATOOSSEOUS SYNDROME; OPD II SYNDROME; Otopalatodigital Syndrome, Type II. Identifiers: Orphanet 669, Orphanet 90652, MedGen C1844696, MONDO:0010571, OMIM 304120.

Allele frequency attached by ClinVar (database versions not stated): gnomAD exomes below 0.00001 and 0.00002; ExAC 0.00003; gnomAD 0.00003; TOPMed 0.00004; ESP Exome Variant Server 0.00010.
gnomAD v4.1: 5 of 1,210,455 alleles (0.00041%); highest among the groups gnomAD compares: African/African-American, 0.0087%; no homozygotes.

Submissions (3):

Labcorp Genetics (formerly Invitae), Labcorp
Classification: Benign for Oto-palato-digital syndrome, type II; Heterotopia, periventricular, X-linked dominant; Frontometaphyseal dysplasia; Melnick-Needles syndrome. Last evaluated: 2025-11-13. Review status: criteria provided, single submitter. Criteria: Invitae Variant Classification Sherloc (09022015). Collection method: clinical testing. Allele origin: germline.

Ambry Genetics
Classification: Uncertain significance for Familial thoracic aortic aneurysm and aortic dissection. Last evaluated: 2021-03-08. Review status: criteria provided, single submitter. Criteria: Ambry Variant Classification Scheme 2023. Collection method: clinical testing. Allele origin: germline.
Comment: The c.3367T>G (p.S1123A) alteration is located in exon 22 (coding exon 21) of the FLNA gene. This alteration results from a T to G substitution at nucleotide position 3367, causing the serine (S) at amino acid position 1123 to be replaced by an alanine (A). The p.S1123A alteration is predicted to be tolerated by in silico analysis. Based on insufficient or conflicting evidence, the clinical significance of this alteration remains unclear.

Eurofins Ntd Llc (ga)
Classification: Uncertain significance. Last evaluated: 2015-11-06. Review status: criteria provided, single submitter. Criteria: EGL Classification Definitions 2015. Collection method: clinical testing. Allele origin: germline. Observed: 1 variant allele, 1 heterozygote.